The following is an entry in ClinVar:

NM_001378477.3(NYX):c.*736G>C

Gene: NYX (nyctalopin; plus strand). Cytogenetic location: Xp11.4.
Variant type: single nucleotide variant.
Coding change: c.*736G>C on transcript NM_001378477.3 (MANE Select); 736 bases downstream of the stop codon, G replaced by C.
Molecular consequence: 3 prime UTR variant.
Genome position (GRCh38, 1-based): chrX:41,475,635, G>C. VCF-style: chrX-41475635-G-C. GRCh37 (hg19) VCF-style: chrX-41334888-G-C.
Other names: c.*736G>C (NM_022567.3).
Identifiers: ClinVar variation 368280 (VCV000368280.5), dbSNP rs141612904, ClinGen allele CA10646143.

ClinVar aggregate classification (germline): Likely benign (1 of 4 stars; one submission).

Conditions:
Congenital stationary night blindness 1A (CSNB1A). Also called: Night blindness, congenital stationary (complete), 1A, X-linked; CSNB, COMPLETE, X-LINKED; HEMERALOPIA-MYOPIA; MYOPIA-NIGHT BLINDNESS; NIGHT BLINDNESS, CONGENITAL STATIONARY, WITH MYOPIA; NYX-Related X-Linked Congenital Stationary Night Blindness. Identifiers: Orphanet 215, MedGen C3495587, MONDO:0010690, OMIM 310500.

Allele frequency attached by ClinVar (database versions not stated): gnomAD 0.01698 and 0.01806; TOPMed 0.02025; 1000 Genomes Project 0.02278; 1000 Genomes Project 30x 0.02456.

Submission:

Illumina Laboratory Services, Illumina
Classification: Likely benign for Congenital stationary night blindness 1A. Last evaluated: 2017-04-27. Review status: criteria provided, single submitter. Criteria: ICSL Variant Classification Criteria 13 December 2019. Collection method: clinical testing. Allele origin: germline.
Comment: This variant was observed as part of a predisposition screen in an ostensibly healthy population. A literature search was performed for the gene, cDNA change, and amino acid change (where applicable). No publications were found based on this search. Allele frequency data from public databases allowed determination this variant is unlikely to cause disease. Therefore, this variant is classified as likely benign.